The following is an entry in ClinVar:

ClinVar aggregate classification (germline): Uncertain significance (1 of 4 stars; one submission).

Conditions:
Hereditary breast ovarian cancer syndrome. Also called: BRCA1- and BRCA2-Associated Hereditary Breast and Ovarian Cancer; Hereditary breast and ovarian cancer syndrome (HBOC); Hereditary breast and/or ovarian cancer syndrome; Hereditary breast and ovarian cancer syndrome; Breast and ovarian cancer; Hereditary breast and ovarian cancer. Identifiers: Orphanet 145, MedGen C0677776, MeSH D061325, MONDO:0003582. Disease mechanism: loss of function.

Submission:

Labcorp Genetics (formerly Invitae), Labcorp
Classification: Uncertain significance for Hereditary breast ovarian cancer syndrome. Last evaluated: 2023-01-26. Review status: criteria provided, single submitter. Criteria: Invitae Variant Classification Sherloc (09022015). Collection method: clinical testing. Allele origin: germline.
Comment: In summary, the available evidence is currently insufficient to determine the role of this variant in disease. Therefore, it has been classified as a Variant of Uncertain Significance. Advanced modeling of protein sequence and biophysical properties (such as structural, functional, and spatial information, amino acid conservation, physicochemical variation, residue mobility, and thermodynamic stability) performed at Invitae indicates that this missense variant is not expected to disrupt BRCA2 protein function. This variant has not been reported in the literature in individuals affected with BRCA2-related conditions. This variant is not present in population databases (gnomAD no frequency). This sequence change replaces valine, which is neutral and non-polar, with leucine, which is neutral and non-polar, at codon 2109 of the BRCA2 protein (p.Val2109Leu).

NM_000059.4(BRCA2):c.6325G>C (p.Val2109Leu)

Gene: BRCA2 (BRCA2 DNA repair associated; plus strand). Cytogenetic location: 13q13.1.
Variant type: single nucleotide variant.
Coding change: c.6325G>C on transcript NM_000059.4 (MANE Select); coding-DNA position 6325, G replaced by C.
Protein change: p.Val2109Leu; replaces valine 2109 with leucine.
Molecular consequence: missense variant. On other transcripts: non-coding transcript variant (1), intron variant (2).
Genome position (GRCh38, 1-based): chr13:32,340,680, G>C. VCF-style: chr13-32340680-G-C. GRCh37 (hg19) VCF-style: chr13-32914817-G-C.
Other names: c.6325G>C, p.Val2109Leu (NM_001406719.1, NM_001406720.1); c.1910-3878G>C (NM_001406721.1); c.425-3878G>C (NM_001406722.1); short protein forms V2109L.
Identifiers: ClinVar variation 3005369 (VCV003005369.3), dbSNP rs79456940, ClinGen allele CA387789069.